The following is an entry in ClinVar:

NM_032409.3(PINK1):c.309del (p.Phe104fs)

Gene: PINK1 (PTEN induced kinase 1; plus strand). Cytogenetic location: 1p36.12.
Variant type: Deletion.
Coding change: c.309del on transcript NM_032409.3 (MANE Select); coding-DNA position 309, one base deleted (C; older notation c.309delC).
Protein change: p.Phe104fs; shifts the reading frame from phenylalanine 104.
Molecular consequence: frameshift variant.
Genome position (GRCh38, 1-based): chr1:20,633,857, C deleted; the last of 2 consecutive C bases (chr1:20,633,856-20,633,857); deleting either gives the same sequence. VCF-style (leftmost placement, unchanged base first): chr1-20633855-GC-G. GRCh37 (hg19) VCF-style: chr1-20960348-GC-G.
Other names: short protein forms F104fs.
Identifiers: ClinVar variation 2918812 (VCV002918812.3), dbSNP rs2545245493, ClinGen allele CA2574249376.

ClinVar aggregate classification (germline): Pathogenic (1 of 4 stars; one submission).

Conditions:
Autosomal recessive early-onset Parkinson disease 6 (PARK6). Also called: PARKINSON DISEASE 6, EARLY-ONSET; PARKINSON DISEASE 6, MODIFIER OF; PINK1-Related Parkinson Disease; PINK1 Type of Young-Onset Parkinson Disease. Identifiers: Orphanet 2828, MedGen C1853833, MONDO:0011613, OMIM 605909.

Submission:

Labcorp Genetics (formerly Invitae), Labcorp
Classification: Pathogenic for Autosomal recessive early-onset Parkinson disease 6. Last evaluated: 2024-08-05. Review status: criteria provided, single submitter. Criteria: Invitae Variant Classification Sherloc (09022015). Collection method: clinical testing. Allele origin: germline.
Comment: This sequence change creates a premature translational stop signal (p.Phe104Serfs*3) in the PINK1 gene. It is expected to result in an absent or disrupted protein product. Loss-of-function variants in PINK1 are known to be pathogenic (PMID: 15087508, 15349870). This variant is not present in population databases (gnomAD no frequency). This variant has not been reported in the literature in individuals affected with PINK1-related conditions. For these reasons, this variant has been classified as Pathogenic.

Literature cited by the submitters: PubMed 15087508; PubMed 15349870.